The following is an entry in ClinVar:

ClinVar aggregate classification (germline): Uncertain significance (1 of 4 stars; one submission).

Conditions:
SAMD9L-related disorder. Also called: SAMD9L-related disorders; SAMD9L-related condition.

Submission:

PreventionGenetics, part of Exact Sciences
Classification: Uncertain significance for SAMD9L-related condition. Last evaluated: 2024-12-09. Review status: criteria provided, single submitter. Criteria: ACMG Guidelines, 2015. Collection method: clinical testing. Allele origin: germline.
Comment: The SAMD9L c.1915G>A variant is predicted to result in the amino acid substitution p.Gly639Arg. To our knowledge, this variant has not been reported in the literature or in a large population database (gnomAD), indicating this variant is rare. At this time, the clinical significance of this variant is uncertain due to the absence of conclusive functional and genetic evidence.

NM_152703.5(SAMD9L):c.1915G>A (p.Gly639Arg)

Gene: SAMD9L (sterile alpha motif domain containing 9 like; minus strand). Cytogenetic location: 7q21.2.
Variant type: single nucleotide variant.
Coding change: c.1915G>A on transcript NM_152703.5 (MANE Select); coding-DNA position 1915, G replaced by A.
Protein change: p.Gly639Arg; replaces glycine 639 with arginine.
Molecular consequence: missense variant.
Genome position (GRCh38, 1-based): chr7:93,134,057, C>T on the plus strand (G>A on the coding strand, the complement: SAMD9L is on the minus strand). VCF-style: chr7-93134057-C-T. GRCh37 (hg19) VCF-style: chr7-92763370-C-T.
Other names: c.1915G>A, p.Gly639Arg (NM_001303496.3, NM_001303497.3, NM_001303498.3 and 5 more transcripts); short protein forms G639R.
Identifiers: ClinVar variation 5001351 (VCV005001351.1).
Genomic context (GRCh38, chr7:93,134,057, plus strand): 5'-GGATTTCCAGTGCAGTCAAGACATCCTCTTTCTTTTTCTCTAGGATAACTGAAGAAGATC[C>T]ACGGGCGGGCAAAAACCTTCTTGATGACCGAGTCACCGATTTTAGTTTAAGGATAGTGCT-3'
Protein context (NP_689916.2, residues 629-649): RSSRRFLPAR[Gly639Arg]SSSVILEKKK